The following is an entry in ClinVar:

ClinVar aggregate classification (germline): Pathogenic (1 of 4 stars; one submission).

Submission:

Labcorp Genetics (formerly Invitae), Labcorp
Classification: Pathogenic. Last evaluated: 2022-10-13. Review status: criteria provided, single submitter. Criteria: Invitae Variant Classification Sherloc (09022015). Collection method: clinical testing. Allele origin: germline.
Comment: For these reasons, this variant has been classified as Pathogenic. This variant disrupts a region of the RS1 protein in which other variant(s) (p.Trp206*) have been determined to be pathogenic (PMID: 9618178, 17515881; Invitae). This suggests that this is a clinically significant region of the protein, and that variants that disrupt it are likely to be disease-causing. ClinVar contains an entry for this variant (Variation ID: 1073422). This frameshift has been observed in individual(s) with retinoschisis (Invitae). This variant is not present in population databases (gnomAD no frequency). This sequence change results in a frameshift in the RS1 gene (p.Ile195Hisfs*69). While this is not anticipated to result in nonsense mediated decay, it is expected to disrupt the last 30 amino acid(s) of the RS1 protein and extend the protein by 38 additional amino acid residues.

Literature cited by the submitters: PubMed 9618178; PubMed 17515881.

NM_000330.4(RS1):c.581dup (p.Ile195fs)

Genes: CDKL5 (cyclin dependent kinase like 5; plus strand), RS1 (retinoschisin 1; minus strand). Cytogenetic location: Xp22.13.
Variant type: Duplication.
Coding change: c.581dup on transcript NM_000330.4 (MANE Select); coding-DNA position 581, one base duplicated (T; older notation c.581dupT).
Protein change: p.Ile195fs; shifts the reading frame from isoleucine 195.
Molecular consequence: frameshift variant. On other transcripts: intron variant (2).
Genome position (GRCh38, 1-based): chrX:18,642,098, A duplicated on the plus strand (T on the coding strand, the reverse complement: RS1 is on the minus strand). VCF-style (leftmost placement, unchanged base first): chrX-18642097-G-GA. GRCh37 (hg19) VCF-style: chrX-18660217-G-GA.
Other names: c.2714-3909dup (NM_003159.3, NM_001037343.2); short protein forms I195fs.
Identifiers: ClinVar variation 1073422 (VCV001073422.10), dbSNP rs2147189016, ClinGen allele CA2499226529.